The following is an entry in ClinVar:

NM_000051.4(ATM):c.4118A>G (p.Asp1373Gly)

Gene: ATM (ATM serine/threonine kinase; plus strand). Cytogenetic location: 11q22.3.
Variant type: single nucleotide variant.
Coding change: c.4118A>G on transcript NM_000051.4 (MANE Select); coding-DNA position 4118, A replaced by G.
Protein change: p.Asp1373Gly; replaces aspartic acid 1373 with glycine.
Molecular consequence: missense variant.
Genome position (GRCh38, 1-based): chr11:108,288,985, A>G. VCF-style: chr11-108288985-A-G. GRCh37 (hg19) VCF-style: chr11-108159712-A-G.
Other names: c.4118A>G, p.Asp1373Gly (NM_001351834.2); short protein forms D1373G.
Identifiers: ClinVar variation 1737966 (VCV001737966.3), dbSNP rs2135750573, ClinGen allele CA382529767.

ClinVar aggregate classification (germline): Uncertain significance. Review status: criteria provided, multiple submitters, no conflicts (2 of 4 stars). 2 submissions from 2 submitters: Uncertain significance (2). Last evaluated 2025-10-30.

Conditions:
Hereditary cancer-predisposing syndrome. Also called: Neoplastic Syndromes, Hereditary; Tumor predisposition; Hereditary Cancer Syndrome; Hereditary neoplastic syndrome. Identifiers: Orphanet 140162, MedGen C0027672, MeSH D009386, MONDO:0015356.
Ataxia-telangiectasia syndrome (AT). Also called: LOUIS-BAR SYNDROME; Cerebello-oculocutaneous telangiectasia; Immunodeficiency with ataxia telangiectasia; Ataxia-telangiectasia, complementation group D; AT, COMPLEMENTATION GROUP C; ATAXIA-TELANGIECTASIA, COMPLEMENTATION GROUP A. Identifiers: Orphanet 100, MedGen C0004135, MONDO:0008840, OMIM 208900.

Submissions (2):

Labcorp Genetics (formerly Invitae), Labcorp
Classification: Uncertain significance for Ataxia-telangiectasia syndrome. Last evaluated: 2025-10-30. Review status: criteria provided, single submitter. Criteria: Invitae Variant Classification Sherloc (09022015). Collection method: clinical testing. Allele origin: germline.
Comment: This sequence change replaces aspartic acid, which is acidic and polar, with glycine, which is neutral and non-polar, at codon 1373 of the ATM protein (p.Asp1373Gly). This variant is not present in population databases (gnomAD no frequency). This variant has not been reported in the literature in individuals affected with ATM-related conditions. ClinVar contains an entry for this variant (Variation ID: 1737966). Invitae Evidence Modeling of protein sequence and biophysical properties (such as structural, functional, and spatial information, amino acid conservation, physicochemical variation, residue mobility, and thermodynamic stability) has been performed for this missense variant. However, the output from this modeling did not meet the statistical confidence thresholds required to predict the impact of this variant on ATM protein function. RNA analysis performed to evaluate the impact of this missense change on mRNA splicing indicates it does not significantly alter splicing (internal data). In summary, the available evidence is currently insufficient to determine the role of this variant in disease. Therefore, it has been classified as a Variant of Uncertain Significance.

Ambry Genetics
Classification: Uncertain significance for Hereditary cancer-predisposing syndrome. Last evaluated: 2022-07-01. Review status: criteria provided, single submitter. Criteria: Ambry Variant Classification Scheme 2023. Collection method: clinical testing. Allele origin: germline.
Comment: The p.D1373G variant (also known as c.4118A>G), located in coding exon 27 of the ATM gene, results from an A to G substitution at nucleotide position 4118. The aspartic acid at codon 1373 is replaced by glycine, an amino acid with similar properties. This amino acid position is conserved. In addition, this alteration is predicted to be deleterious by in silico analysis. Since supporting evidence is limited at this time, the clinical significance of this alteration remains unclear.